The following is an entry in ClinVar:

ClinVar aggregate classification (germline): Pathogenic (1 of 4 stars; one submission).

Submission:

Labcorp Genetics (formerly Invitae), Labcorp
Classification: Pathogenic. Last evaluated: 2022-04-01. Review status: criteria provided, single submitter. Criteria: Invitae Variant Classification Sherloc (09022015). Collection method: clinical testing. Allele origin: germline.
Comment: For these reasons, this variant has been classified as Pathogenic. This variant has not been reported in the literature in individuals affected with COL9A2-related conditions. This variant is not present in population databases (gnomAD no frequency). This sequence change creates a premature translational stop signal (p.Pro124Leufs*59) in the COL9A2 gene. It is expected to result in an absent or disrupted protein product. Loss-of-function variants in COL9A2 are known to be pathogenic (PMID: 21671392, 33356723).

Literature cited by the submitters: PubMed 21671392; PubMed 33356723.

NM_001852.4(COL9A2):c.371del (p.Pro124fs)

Gene: COL9A2 (collagen type IX alpha 2 chain; minus strand). Cytogenetic location: 1p34.2.
Variant type: Deletion.
Coding change: c.371del on transcript NM_001852.4 (MANE Select); coding-DNA position 371, one base deleted (C; older notation c.371delC).
Protein change: p.Pro124fs; shifts the reading frame from proline 124.
Molecular consequence: frameshift variant.
Genome position (GRCh38, 1-based): chr1:40,312,105, G deleted on the plus strand (C on the coding strand, the reverse complement: COL9A2 is on the minus strand); the first of 2 consecutive G bases (chr1:40,312,105-40,312,106); deleting either gives the same sequence. VCF-style (leftmost placement, unchanged base first): chr1-40312104-AG-A. GRCh37 (hg19) VCF-style: chr1-40777776-AG-A.
Other names: short protein forms P124fs.
Identifiers: ClinVar variation 2120546 (VCV002120546.4), dbSNP rs2522557237, ClinGen allele CA2580062740.